The following is an entry in ClinVar:

ClinVar aggregate classification (germline): Pathogenic/Likely pathogenic. Review status: criteria provided, multiple submitters, no conflicts (2 of 4 stars). 2 submissions from 2 submitters: Pathogenic (1); Likely pathogenic (1). Last evaluated 2024-02-23.

Conditions:
Mucopolysaccharidosis, MPS-III-B (MPS3B). Also called: N-ACETYL-ALPHA-D-GLUCOSAMINIDASE DEFICIENCY; NAGLU DEFICIENCY; SANFILIPPO SYNDROME B; MPS III B; MPS IIIB (Sanfilippo Syndrome Type B); MUCOPOLYSACCHARIDOSIS, TYPE IIIB. Identifiers: Orphanet 79270, MedGen C0086648, MONDO:0009656, OMIM 252920.
Charcot-Marie-Tooth disease axonal type 2V. Also called: CHARCOT-MARIE-TOOTH NEUROPATHY, TYPE 2V; CHARCOT-MARIE-TOOTH DISEASE, AXONAL, AUTOSOMAL DOMINANT, TYPE 2V. Identifiers: Orphanet 447964, MedGen C5569050, MONDO:0014665, OMIM 616491.

Submissions (2):

Natera, Inc.
Classification: Likely pathogenic for Mucopolysaccharidosis type IIIB. Last evaluated: 2024-02-23. Review status: criteria provided, single submitter. Criteria: Natera Variant Classification Schema (03/2026). Collection method: clinical testing. Allele origin: germline.
Comment: The c.648delC variant in NAGLU is a frameshift variant predicted to shift the reading frame beginning at codon 217 and leads to a stop codon 22 codons downstream. This variant is expected to result in nonsense mediated decay, truncation, or a dysfunctional protein product. This variant is rare in the general population with a frequency below the threshold expected for the associated phenotype(s). Functional studies show that this variant may disrupt protein function (PMID: 29979746). Given the available evidence, this variant is classified as Likely Pathogenic.

Labcorp Genetics (formerly Invitae), Labcorp
Classification: Pathogenic for Charcot-Marie-Tooth disease axonal type 2V; Mucopolysaccharidosis, MPS-III-B. Last evaluated: 2021-12-22. Review status: criteria provided, single submitter. Criteria: Invitae Variant Classification Sherloc (09022015). Collection method: clinical testing. Allele origin: germline.
Comment: This sequence change creates a premature translational stop signal (p.Ser217Profs*22) in the NAGLU gene. It is expected to result in an absent or disrupted protein product. Loss-of-function variants in NAGLU are known to be pathogenic (PMID: 9832037, 10094189, 16151907). This variant is present in population databases (rs763896656, gnomAD 0.006%). This variant has not been reported in the literature in individuals affected with NAGLU-related conditions. For these reasons, this variant has been classified as Pathogenic.

Literature cited by the submitters: PubMed 29979746 (cited by Natera, Inc.); PubMed 9832037 (cited by Labcorp Genetics (formerly Invitae), Labcorp); PubMed 10094189 (cited by Labcorp Genetics (formerly Invitae), Labcorp); PubMed 16151907 (cited by Labcorp Genetics (formerly Invitae), Labcorp).

NM_000263.4(NAGLU):c.648del (p.Ser217fs)

Gene: NAGLU (N-acetyl-alpha-glucosaminidase; plus strand). Cytogenetic location: 17q21.2.
Variant type: Deletion.
Coding change: c.648del on transcript NM_000263.4 (MANE Select); coding-DNA position 648, one base deleted (C; older notation c.648delC).
Protein change: p.Ser217fs; shifts the reading frame from serine 217.
Molecular consequence: frameshift variant.
Genome position (GRCh38, 1-based): chr17:42,538,455, C deleted; the last of 6 consecutive C bases (chr17:42,538,450-42,538,455); deleting any one gives the same sequence. VCF-style (leftmost placement, unchanged base first): chr17-42538449-GC-G. GRCh37 (hg19) VCF-style: chr17-40690467-GC-G.
Other names: c.648delC (NM_000263.3); short protein forms S217fs.
Identifiers: ClinVar variation 1453027 (VCV001453027.7), dbSNP rs760370189, ClinGen allele CA8576806.